The following is an entry in ClinVar:

ClinVar aggregate classification (germline): Pathogenic. Review status: criteria provided, multiple submitters, no conflicts (2 of 4 stars). 3 submissions from 3 submitters: Pathogenic (2). 1 of the submissions does not count toward it. Last evaluated 2024-03-11.

Conditions:
EMD-related disorders.
X-linked Emery-Dreifuss muscular dystrophy. Also called: Muscular dystrophy, tardive Emery-Dreifuss type, with contractures. Identifiers: Orphanet 261, Orphanet 98863, MedGen C0751337, MONDO:0010680.

Submissions (3):

Labcorp Genetics (formerly Invitae), Labcorp
Classification: Pathogenic for X-linked Emery-Dreifuss muscular dystrophy. Last evaluated: 2024-03-11. Review status: criteria provided, single submitter. Criteria: Invitae Variant Classification Sherloc (09022015). Collection method: clinical testing. Allele origin: germline.
Comment: This sequence change falls in intron 3 of the EMD gene. It does not directly change the encoded amino acid sequence of the EMD protein. RNA analysis indicates that this variant induces altered splicing and may result in an absent or disrupted protein product. This variant is not present in population databases (gnomAD no frequency). This variant has been observed in individual(s) with Emery-Dreifuss muscular dystrophy (PMID: 7894480, 34906502; Invitae). This variant is also known as A to G at -3 from 324. ClinVar contains an entry for this variant (Variation ID: 1374482). Variants that disrupt the consensus splice site are a relatively common cause of aberrant splicing (PMID: 17576681, 9536098). Studies have shown that this variant results in retention of intron 3 and introduces a premature termination codon (PMID: 7894480). The resulting mRNA is expected to undergo nonsense-mediated decay. For these reasons, this variant has been classified as Pathogenic.

Blueprint Genetics
Classification: Pathogenic for EMD-related disorders. Last evaluated: 2020-02-18. Review status: criteria provided, single submitter. Criteria: ACMG Guidelines, 2015. Collection method: clinical testing. Allele origin: germline. Affected: yes. Observed: 1 variant allele.

OMIM
Classification: Pathogenic for EMERY-DREIFUSS MUSCULAR DYSTROPHY, X-LINKED. Last evaluated: 1994-12-01. Review status: no assertion criteria provided. Collection method: literature only. Allele origin: germline. Not counted in ClinVar's aggregate classification.

Literature cited by the submitters: PubMed 7894480 (cited by Labcorp Genetics (formerly Invitae), Labcorp and OMIM); PubMed 34906502 (cited by Labcorp Genetics (formerly Invitae), Labcorp); PubMed 17576681 (cited by Labcorp Genetics (formerly Invitae), Labcorp); PubMed 9536098 (cited by Labcorp Genetics (formerly Invitae), Labcorp).

NM_000117.3(EMD):c.266-3A>G

Gene: EMD (emerin; plus strand). Cytogenetic location: Xq28.
Variant type: single nucleotide variant.
Coding change: c.266-3A>G on transcript NM_000117.3 (MANE Select); 3 bases into the intron before coding-DNA position 266, A replaced by G.
Molecular consequence: intron variant.
Genome position (GRCh38, 1-based): chrX:154,380,231, A>G. VCF-style: chrX-154380231-A-G. GRCh37 (hg19) VCF-style: chrX-153608591-A-G.
Identifiers: ClinVar variation 1374482 (VCV001374482.8), dbSNP rs2148128459, ClinGen allele CA2573130177.